The following is an entry in ClinVar:

ClinVar aggregate classification (germline): Pathogenic (1 of 4 stars; one submission).

Conditions:
Combined immunodeficiency due to CD3gamma deficiency. Also called: CD3-GAMMA DEFICIENCY; SCID-LIKE IMMUNODEFICIENCY, T CELL-PARTIAL, B CELL-POSITIVE, NK CELL-POSITIVE; Immunodeficiency 17; Immunodeficiency 17, CD3 gamma deficient. Identifiers: Orphanet 169082, MedGen C3810107, MONDO:0014276, OMIM 615607.

Submission:

Labcorp Genetics (formerly Invitae), Labcorp
Classification: Pathogenic for Combined immunodeficiency due to CD3gamma deficiency. Last evaluated: 2022-07-05. Review status: criteria provided, single submitter. Criteria: Invitae Variant Classification Sherloc (09022015). Collection method: clinical testing. Allele origin: germline.
Comment: For these reasons, this variant has been classified as Pathogenic. This variant has not been reported in the literature in individuals affected with CD3G-related conditions. This variant is not present in population databases (gnomAD no frequency). This sequence change creates a premature translational stop signal (p.Tyr171*) in the CD3G gene. It is expected to result in an absent or disrupted protein product. Loss-of-function variants in CD3G are known to be pathogenic (PMID: 1635567, 17277165, 24910257).

Literature cited by the submitters: PubMed 1635567; PubMed 17277165; PubMed 24910257.

NM_000073.3(CD3G):c.513C>G (p.Tyr171Ter)

Gene: CD3G (CD3 gamma subunit of T-cell receptor complex; plus strand). Cytogenetic location: 11q23.3.
Variant type: single nucleotide variant.
Coding change: c.513C>G on transcript NM_000073.3 (MANE Select); coding-DNA position 513, C replaced by G.
Protein change: p.Tyr171Ter; replaces tyrosine 171 with a stop codon.
Molecular consequence: nonsense.
Genome position (GRCh38, 1-based): chr11:118,352,433, C>G. VCF-style: chr11-118352433-C-G. GRCh37 (hg19) VCF-style: chr11-118223148-C-G.
Other names: short protein forms Y171*.
Identifiers: ClinVar variation 2053595 (VCV002053595.4), dbSNP rs2496908575, ClinGen allele CA382794622.
Genomic context (GRCh38, chr11:118,352,433, plus strand): 5'-AAATGACTTATGACTGTGCTGTCCTTTCCAGCCCCTCAAGGATCGAGAAGATGACCAGTA[C>G]AGCCACCTTCAAGGAAACCAGTTGAGGAGGAATTGAACTCAGGACTCAGAGTAGGTGGGT-3'